The following is an entry in ClinVar:

NM_000334.4(SCN4A):c.2290G>A (p.Glu764Lys)

Genes: SCN4A (sodium voltage-gated channel alpha subunit 4; minus strand), GH-LCR (growth hormone locus control region; plus strand). Cytogenetic location: 17q23.3.
Variant type: single nucleotide variant.
Coding change: c.2290G>A on transcript NM_000334.4 (MANE Select); coding-DNA position 2290, G replaced by A.
Protein change: p.Glu764Lys; replaces glutamic acid 764 with lysine.
Molecular consequence: missense variant.
Genome position (GRCh38, 1-based): chr17:63,957,248, C>T on the plus strand (G>A on the coding strand, the complement: SCN4A is on the minus strand). VCF-style: chr17-63957248-C-T. GRCh37 (hg19) VCF-style: chr17-62034608-C-T.
Other names: short protein forms E764K.
Identifiers: ClinVar variation 570515 (VCV000570515.9), dbSNP rs1403270355, ClinGen allele CA400629622.
Genomic context (GRCh38, chr17:63,957,248, plus strand): 5'-TGAGGAAGACGGTGAGGCACATGGCTTGGCCGGCCACCTCCATGCAGTCCCACATGGTCT[C>T]GATCCACTCCCCGCACAGGATGCGGAAGACGATGAGGAAGGAGTGGAAGAAATCATGCAT-3'
Protein context (NP_000325.4, residues 754-774): VFRILCGEWI[Glu764Lys]TMWDCMEVAG

ClinVar aggregate classification (germline): Uncertain significance (1 of 4 stars; one submission).

Conditions:
Hyperkalemic periodic paralysis. Also called: Gamstorp disease; Familial hyperkalemic periodic paralysis. Identifiers: Orphanet 682, MedGen C0238357, MONDO:0008224, OMIM 170500, HP:0007215.

Allele frequency attached by ClinVar (database versions not stated): gnomAD exomes below 0.00001; TOPMed below 0.00001; gnomAD 0.00001.
gnomAD v4.1: 6 of 1,613,126 alleles (0.00037%); highest among the groups gnomAD compares: East Asian, 0.0022%; no homozygotes.

Submission:

Labcorp Genetics (formerly Invitae), Labcorp
Classification: Uncertain significance for Hyperkalemic periodic paralysis. Last evaluated: 2023-12-09. Review status: criteria provided, single submitter. Criteria: Invitae Variant Classification Sherloc (09022015). Collection method: clinical testing. Allele origin: germline.
Comment: This sequence change replaces glutamic acid, which is acidic and polar, with lysine, which is basic and polar, at codon 764 of the SCN4A protein (p.Glu764Lys). This variant is not present in population databases (gnomAD no frequency). This variant has not been reported in the literature in individuals affected with SCN4A-related conditions. ClinVar contains an entry for this variant (Variation ID: 570515). Advanced modeling of protein sequence and biophysical properties (such as structural, functional, and spatial information, amino acid conservation, physicochemical variation, residue mobility, and thermodynamic stability) performed at Invitae indicates that this missense variant is expected to disrupt SCN4A protein function with a positive predictive value of 95%. In summary, the available evidence is currently insufficient to determine the role of this variant in disease. Therefore, it has been classified as a Variant of Uncertain Significance.